The following is an entry in ClinVar:

ClinVar aggregate classification (germline): Likely benign. Review status: criteria provided, single submitter (1 of 4 stars). 2 submissions from 2 submitters: Likely benign (1). 1 of the submissions does not count toward it. Last evaluated 2024-10-22.

Conditions:
SEC24D-related disorder. Also called: SEC24D-related condition.

Allele frequency attached by ClinVar (database versions not stated): gnomAD 0.00006 and 0.00010; gnomAD exomes 0.00006 and 0.00031; 1000 Genomes Project 30x 0.00031; 1000 Genomes Project 0.00040; ExAC 0.00030; TOPMed 0.00011.
gnomAD v4.1: 107 of 1,589,420 alleles (0.0067%); highest among the groups gnomAD compares: East Asian, 0.21%; no homozygotes.

Submissions (2):

Labcorp Genetics (formerly Invitae), Labcorp
Classification: Likely benign. Last evaluated: 2024-10-22. Review status: criteria provided, single submitter. Criteria: Invitae Variant Classification Sherloc (09022015). Collection method: clinical testing. Allele origin: germline.

PreventionGenetics, part of Exact Sciences
Classification: Likely benign for SEC24D-related condition. Last evaluated: 2022-11-29. Review status: no assertion criteria provided. Collection method: clinical testing. Allele origin: germline. Not counted in ClinVar's aggregate classification.
Comment: This variant is classified as likely benign based on ACMG/AMP sequence variant interpretation guidelines (Richards et al. 2015 PMID: 25741868, with internal and published modifications).

NM_014822.4(SEC24D):c.2869A>G (p.Thr957Ala)

Gene: SEC24D (SEC24 homolog D, COPII component; minus strand). Cytogenetic location: 4q26.
Variant type: single nucleotide variant.
Coding change: c.2869A>G on transcript NM_014822.4 (MANE Select); coding-DNA position 2869, A replaced by G.
Protein change: p.Thr957Ala; replaces threonine 957 with alanine.
Molecular consequence: missense variant.
Genome position (GRCh38, 1-based): chr4:118,728,650, T>C on the plus strand (A>G on the coding strand, the complement: SEC24D is on the minus strand). VCF-style: chr4-118728650-T-C. GRCh37 (hg19) VCF-style: chr4-119649805-T-C.
Other names: c.2872A>G, p.Thr958Ala (NM_001318066.2); short protein forms T957A, T958A.
Identifiers: ClinVar variation 716452 (VCV000716452.11), dbSNP rs201005070, ClinGen allele CA3056846.